The following is an entry in ClinVar:

ClinVar aggregate classification (germline): Uncertain significance (1 of 4 stars; one submission).

Conditions:
Progressive familial heart block type IB (PFHB1B). Identifiers: Orphanet 871, MedGen C1970298, MONDO:0011474, OMIM 604559.

Allele frequency attached by ClinVar (database versions not stated): gnomAD exomes below 0.00001; TOPMed below 0.00001; gnomAD 0.00001.
gnomAD v4.1: 4 of 1,613,974 alleles (0.00025%); highest among the groups gnomAD compares: African/African-American, 0.0013%; no homozygotes.

Submission:

Labcorp Genetics (formerly Invitae), Labcorp
Classification: Uncertain significance for Progressive familial heart block type IB. Last evaluated: 2025-02-03. Review status: criteria provided, single submitter. Criteria: Invitae Variant Classification Sherloc (09022015). Collection method: clinical testing. Allele origin: germline.
Comment: This sequence change replaces arginine, which is basic and polar, with cysteine, which is neutral and slightly polar, at codon 965 of the TRPM4 protein (p.Arg965Cys). This variant is not present in population databases (gnomAD no frequency). This variant has not been reported in the literature in individuals affected with TRPM4-related conditions. ClinVar contains an entry for this variant (Variation ID: 1416831). An algorithm developed to predict the effect of missense changes on protein structure and function (PolyPhen-2) suggests that this variant is likely to be disruptive. In summary, the available evidence is currently insufficient to determine the role of this variant in disease. Therefore, it has been classified as a Variant of Uncertain Significance.

NM_017636.4(TRPM4):c.2893C>T (p.Arg965Cys)

Gene: TRPM4 (transient receptor potential cation channel subfamily M member 4; plus strand). Cytogenetic location: 19q13.33.
Variant type: single nucleotide variant.
Coding change: c.2893C>T on transcript NM_017636.4 (MANE Select); coding-DNA position 2893, C replaced by T.
Protein change: p.Arg965Cys; replaces arginine 965 with cysteine.
Molecular consequence: missense variant.
Genome position (GRCh38, 1-based): chr19:49,200,725, C>T. VCF-style: chr19-49200725-C-T. GRCh37 (hg19) VCF-style: chr19-49703982-C-T.
Other names: c.2458C>T, p.Arg820Cys (NM_001195227.2); c.2548C>T, p.Arg850Cys (NM_001321281.2); c.1285C>T, p.Arg429Cys (NM_001321282.2); c.2371C>T, p.Arg791Cys (NM_001321283.2); c.1831C>T, p.Arg611Cys (NM_001321285.2); short protein forms R820C, R850C, R791C, R429C, R965C, R611C.
Identifiers: ClinVar variation 1416831 (VCV001416831.6), dbSNP rs1296112030, ClinGen allele CA406812050.